The following is an entry in ClinVar:

NM_014780.5(CUL7):c.418_419del (p.Thr140fs)

Gene: CUL7 (cullin 7; minus strand). Cytogenetic location: 6p21.1.
Variant type: Microsatellite.
Coding change: c.418_419del on transcript NM_014780.5 (MANE Select); coding-DNA positions 418 to 419, 2 bases deleted (AC; older notation c.418_419delAC).
Protein change: p.Thr140fs; shifts the reading frame from threonine 140.
Molecular consequence: frameshift variant.
Genome position (GRCh38, 1-based): chr6:43,052,370-43,052,371, GT deleted on the plus strand (AC on the coding strand, the reverse complement: CUL7 is on the minus strand); deleting any 2 consecutive bases within chr6:43,052,370-43,052,374 gives the same sequence; the c. name uses the placement nearest the transcript's 3' end. VCF-style (leftmost placement, unchanged base first): chr6-43052369-AGT-A. GRCh37 (hg19) VCF-style: chr6-43020107-AGT-A.
Other names: c.418_419del, p.Thr140fs (NM_001168370.2, NM_001374872.1, NM_001374873.1 and 1 more transcripts); c.418_419delAC (NM_014780.5); short protein forms T140fs.
Identifiers: ClinVar variation 929436 (VCV000929436.2), dbSNP rs1764489246, ClinGen allele CA1624343328.

ClinVar aggregate classification (germline): Pathogenic (1 of 4 stars; one submission).

Conditions:
3M syndrome 1. Also called: 3-M Syndrome, CUL7-Related. Identifiers: Orphanet 2616, MedGen C2678312, MONDO:0010117, OMIM 273750.

Submission:

Hacettepe Genetic Diseases Diagnosis Center, Hacettepe University Faculty of Medicine
Classification: Pathogenic for 3M syndrome 1. Last evaluated: 2020-06-01. Review status: criteria provided, single submitter. Criteria: ACMG Guidelines, 2015. Collection method: clinical testing. Allele origin: germline. Inheritance: Autosomal recessive inheritance. Affected: yes. Observed: 1 homozygote.
Comment: This variant has not been reported in ExAC, gnomAD, and 1000 Genomes Project databases. This variant was classified as pathogenic according to the ACMG guidelines and predicted to be disease causing by in silico pathogenicity prediction tools such as MutationTaster.